The following is an entry in ClinVar:

NM_004370.6(COL12A1):c.3250G>A (p.Ala1084Thr)

Gene: COL12A1 (collagen type XII alpha 1 chain; minus strand). Cytogenetic location: 6q13.
Variant type: single nucleotide variant.
Coding change: c.3250G>A on transcript NM_004370.6 (MANE Select); coding-DNA position 3250, G replaced by A.
Protein change: p.Ala1084Thr; replaces alanine 1084 with threonine.
Molecular consequence: missense variant. On other transcripts: intron variant (1).
Genome position (GRCh38, 1-based): chr6:75,156,257, C>T on the plus strand (G>A on the coding strand, the complement: COL12A1 is on the minus strand). VCF-style: chr6-75156257-C-T. GRCh37 (hg19) VCF-style: chr6-75865973-C-T.
Other names: c.74-3775G>A (NM_080645.3); short protein forms A1084T.
Identifiers: ClinVar variation 2040472 (VCV002040472.4), dbSNP rs765131102, ClinGen allele CA3893779.

ClinVar aggregate classification (germline): Uncertain significance (1 of 4 stars; one submission).

Conditions:
Ullrich congenital muscular dystrophy 2 (UCMD2). Identifiers: Orphanet 75840, MedGen C4225314, MONDO:0014654, OMIM 616470.
Bethlem myopathy 2 (BTHLM2). Identifiers: Orphanet 536516, Orphanet 610, MedGen C4225313, MONDO:0034022, OMIM 616471.

Allele frequency attached by ClinVar (database versions not stated): ExAC 0.00001; gnomAD exomes 0.00001.
gnomAD v4.1: 4 of 1,613,460 alleles (0.00025%); highest among the groups gnomAD compares: Non-Finnish European, 0.00034%; no homozygotes.

Submission:

Labcorp Genetics (formerly Invitae), Labcorp
Classification: Uncertain significance for Bethlem myopathy 2; Ullrich congenital muscular dystrophy 2. Last evaluated: 2022-02-04. Review status: criteria provided, single submitter. Criteria: Invitae Variant Classification Sherloc (09022015). Collection method: clinical testing. Allele origin: germline.
Comment: This sequence change replaces alanine, which is neutral and non-polar, with threonine, which is neutral and polar, at codon 1084 of the COL12A1 protein (p.Ala1084Thr). This variant also falls at the last nucleotide of exon 15, which is part of the consensus splice site for this exon. In summary, the available evidence is currently insufficient to determine the role of this variant in disease. Therefore, it has been classified as a Variant of Uncertain Significance. Variants that disrupt the consensus splice site are a relatively common cause of aberrant splicing (PMID: 17576681, 9536098). Algorithms developed to predict the effect of sequence changes on RNA splicing suggest that this variant may disrupt the consensus splice site. Algorithms developed to predict the effect of missense changes on protein structure and function (SIFT, PolyPhen-2, Align-GVGD) all suggest that this variant is likely to be tolerated. This variant has not been reported in the literature in individuals affected with COL12A1-related conditions. This variant is present in population databases (rs765131102, gnomAD 0.0009%).

Literature cited by the submitters: PubMed 17576681; PubMed 9536098.